The following is an entry in ClinVar:

NM_001352913.2(PPP2R5C):c.22G>C (p.Glu8Gln)

Gene: PPP2R5C (protein phosphatase 2 regulatory subunit B'gamma; plus strand). Cytogenetic location: 14q32.31.
Variant type: single nucleotide variant.
Coding change: c.22G>C on transcript NM_001352913.2 (MANE Select); coding-DNA position 22, G replaced by C.
Protein change: p.Glu8Gln; replaces glutamic acid 8 with glutamine.
Molecular consequence: missense variant. On other transcripts: intron variant (1).
Genome position (GRCh38, 1-based): chr14:101,761,915, G>C. VCF-style: chr14-101761915-G-C. GRCh37 (hg19) VCF-style: chr14-102228252-G-C.
Other names: c.22G>C, p.Glu8Gln (NM_001161725.2, NM_001161726.2); c.43-990G>C (NM_001352914.2); short protein forms E8Q.
Identifiers: ClinVar variation 2419554 (VCV002419554.6), dbSNP rs2139902682, ClinGen allele CA391154378.

ClinVar aggregate classification (germline): Uncertain significance (1 of 4 stars; one submission).

Allele frequency attached by ClinVar (database versions not stated): gnomAD 0.00001.

Submission:

Labcorp Genetics (formerly Invitae), Labcorp
Classification: Uncertain significance. Last evaluated: 2022-08-16. Review status: criteria provided, single submitter. Criteria: Invitae Variant Classification Sherloc (09022015). Collection method: clinical testing. Allele origin: germline.
Comment: This variant has not been reported in the literature in individuals affected with PPP2R5C-related conditions. In summary, the available evidence is currently insufficient to determine the role of this variant in disease. Therefore, it has been classified as a Variant of Uncertain Significance. Algorithms developed to predict the effect of missense changes on protein structure and function are either unavailable or do not agree on the potential impact of this missense change (SIFT: "Tolerated"; PolyPhen-2: "Not Available"; Align-GVGD: "Class C0"). This variant is not present in population databases (gnomAD no frequency). This sequence change replaces glutamic acid, which is acidic and polar, with glutamine, which is neutral and polar, at codon 8 of the PPP2R5C protein (p.Glu8Gln).